The following is an entry in ClinVar:

NM_001261826.3(AP3D1):c.385G>A (p.Gly129Ser)

Gene: AP3D1 (adaptor related protein complex 3 subunit delta 1; minus strand). Cytogenetic location: 19p13.3.
Variant type: single nucleotide variant.
Coding change: c.385G>A on transcript NM_001261826.3 (MANE Select); coding-DNA position 385, G replaced by A.
Protein change: p.Gly129Ser; replaces glycine 129 with serine.
Molecular consequence: missense variant.
Genome position (GRCh38, 1-based): chr19:2,132,548, C>T on the plus strand (G>A on the coding strand, the complement: AP3D1 is on the minus strand). VCF-style: chr19-2132548-C-T. GRCh37 (hg19) VCF-style: chr19-2132547-C-T.
Other names: c.385G>A, p.Gly129Ser (NM_001374799.1, NM_003938.8); short protein forms G129S.
Identifiers: ClinVar variation 4720782 (VCV004720782.1).

ClinVar aggregate classification (germline): Uncertain significance (1 of 4 stars; one submission).

Submission:

Labcorp Genetics (formerly Invitae), Labcorp
Classification: Uncertain significance. Last evaluated: 2025-06-04. Review status: criteria provided, single submitter. Criteria: Invitae Variant Classification Sherloc (09022015). Collection method: clinical testing. Allele origin: germline.
Comment: This sequence change replaces glycine, which is neutral and non-polar, with serine, which is neutral and polar, at codon 129 of the AP3D1 protein (p.Gly129Ser). This variant is not present in population databases (gnomAD no frequency). This variant has not been reported in the literature in individuals affected with AP3D1-related conditions. An algorithm developed to predict the effect of missense changes on protein structure and function (PolyPhen-2) suggests that this variant is likely to be disruptive. In summary, the available evidence is currently insufficient to determine the role of this variant in disease. Therefore, it has been classified as a Variant of Uncertain Significance.